The following is an entry in ClinVar:

ClinVar aggregate classification (germline): Uncertain significance (1 of 4 stars; one submission).

gnomAD v4.1: 3 of 1,208,983 alleles (0.00025%); highest among the groups gnomAD compares: South Asian, 0.0018%; no homozygotes.

Submission:

Labcorp Genetics (formerly Invitae), Labcorp
Classification: Uncertain significance. Last evaluated: 2024-10-30. Review status: criteria provided, single submitter. Criteria: Invitae Variant Classification Sherloc (09022015). Collection method: clinical testing. Allele origin: germline.
Comment: This sequence change replaces glycine, which is neutral and non-polar, with serine, which is neutral and polar, at codon 1180 of the USP9X protein (p.Gly1180Ser). This variant is present in population databases (no rsID available, gnomAD 0.002%), including at least one homozygous and/or hemizygous individual. This variant has not been reported in the literature in individuals affected with USP9X-related conditions. An algorithm developed to predict the effect of missense changes on protein structure and function (PolyPhen-2) suggests that this variant is likely to be disruptive. In summary, the available evidence is currently insufficient to determine the role of this variant in disease. Therefore, it has been classified as a Variant of Uncertain Significance.

NM_001039591.3(USP9X):c.3538G>A (p.Gly1180Ser)

Gene: USP9X (ubiquitin specific peptidase 9 X-linked; plus strand). Cytogenetic location: Xp11.4.
Variant type: single nucleotide variant.
Coding change: c.3538G>A on transcript NM_001039591.3 (MANE Select); coding-DNA position 3538, G replaced by A.
Protein change: p.Gly1180Ser; replaces glycine 1180 with serine.
Molecular consequence: missense variant.
Genome position (GRCh38, 1-based): chrX:41,184,655, G>A. VCF-style: chrX-41184655-G-A. GRCh37 (hg19) VCF-style: chrX-41043908-G-A.
Other names: c.3538G>A, p.Gly1180Ser (NM_001039590.3); c.3553G>A, p.Gly1185Ser (NM_001410748.1, NM_001410749.1); short protein forms G1180S, G1185S.
Identifiers: ClinVar variation 3724180 (VCV003724180.2).